The following is an entry in ClinVar:

NM_000128.4(F11):c.1831G>A (p.Val611Met)

Genes: F11 (coagulation factor XI; plus strand), F11-AS1 (F11 antisense RNA 1; minus strand). Cytogenetic location: 4q35.2.
Variant type: single nucleotide variant.
Coding change: c.1831G>A on transcript NM_000128.4 (MANE Select); coding-DNA position 1831, G replaced by A.
Protein change: p.Val611Met; replaces valine 611 with methionine.
Molecular consequence: missense variant. On other transcripts: non-coding transcript variant (1).
Genome position (GRCh38, 1-based): chr4:186,288,567, G>A. VCF-style: chr4-186288567-G-A. GRCh37 (hg19) VCF-style: chr4-187209721-G-A.
Other names: short protein forms V611M.
Identifiers: ClinVar variation 2637513 (VCV002637513.1), dbSNP rs1741388544, ClinGen allele CA358946247.

ClinVar aggregate classification (germline): Likely pathogenic (1 of 4 stars; one submission).

Conditions:
Hereditary factor XI deficiency disease. Also called: PLASMA THROMBOPLASTIN ANTECEDENT DEFICIENCY; PTA DEFICIENCY; ROSENTHAL SYNDROME; Congenital factor XI deficiency. Identifiers: Orphanet 329, MedGen C0015523, MeSH D005173, MONDO:0012897, OMIM 612416.

Allele frequency attached by ClinVar (database versions not stated): gnomAD exomes below 0.00001.

Submission:

Women's Health and Genetics/Laboratory Corporation of America, LabCorp
Classification: Likely pathogenic for Hereditary factor XI deficiency disease. Last evaluated: 2023-10-27. Review status: criteria provided, single submitter. Criteria: LabCorp Variant Classification Summary - May 2015. Collection method: clinical testing. Allele origin: germline.
Comment: Variant summary: F11 c.1831G>A (p.Val611Met) results in a conservative amino acid change located in the serine proteases, trypsin domain (IPR001254) of the encoded protein sequence. Four of five in-silico tools predict a damaging effect of the variant on protein function. The variant was absent in 251478 control chromosomes (gnomAD). c.1831G>A has been reported in the literature in the homozygous state in an individual affected with Hereditary factor XI deficiency disease, who had a severe phenotype (Rimoldi_2018). These data indicate that the variant may be associated with disease. At least one publication reports experimental evidence evaluating an impact on protein function in vitro (Rimoldi_2018). The variant protein showed similar expression levels as the wild type intracellularly, but had <10% expression in conditioned media, indicating impaired secretion. The following publication has been ascertained in the context of this evaluation (PMID: 29178608). No submitters have cited clinical-significance assessments for this variant to ClinVar after 2014. Based on the evidence outlined above, the variant was classified as likely pathogenic.

Literature cited by the submitters: PubMed 29178608.